The following is an entry in ClinVar:

NM_201384.3(PLEC):c.6013A>G (p.Lys2005Glu)

Gene: PLEC (plectin; minus strand). Cytogenetic location: 8q24.3.
Variant type: single nucleotide variant.
Coding change: c.6013A>G on transcript NM_201384.3 (MANE Select); coding-DNA position 6013, A replaced by G.
Protein change: p.Lys2005Glu; replaces lysine 2005 with glutamic acid.
Molecular consequence: missense variant.
Genome position (GRCh38, 1-based): chr8:143,923,916, T>C on the plus strand (A>G on the coding strand, the complement: PLEC is on the minus strand). VCF-style: chr8-143923916-T-C. GRCh37 (hg19) VCF-style: chr8-144998084-T-C.
Other names: c.6094A>G, p.Lys2032Glu (NM_000445.5); c.5971A>G, p.Lys1991Glu (NM_201378.4); c.5947A>G, p.Lys1983Glu (NM_201379.3); c.6424A>G, p.Lys2142Glu (NM_201380.4); c.5917A>G, p.Lys1973Glu (NM_201381.3); c.6013A>G, p.Lys2005Glu (NM_201382.4); c.6025A>G, p.Lys2009Glu (NM_201383.3); short protein forms K1973E, K1983E, K1991E, K2005E, K2142E, K2009E, K2032E.
Identifiers: ClinVar variation 2119318 (VCV002119318.4), dbSNP rs2537815545, ClinGen allele CA372539966.

ClinVar aggregate classification (germline): Uncertain significance (1 of 4 stars; one submission).

Conditions:
Epidermolysis bullosa simplex, Ogna type (EBS5A). Also called: Pidermolysis bullosa simplex 5A, Ogna type; EPIDERMOLYSIS BULLOSA SIMPLEX 5A, OGNA TYPE. Identifiers: Orphanet 79401, MedGen C0432317, MONDO:0007555, OMIM 131950.
Epidermolysis bullosa simplex with nail dystrophy (EBS5D). Identifiers: MedGen C4225309, MONDO:0014661, OMIM 616487.
Epidermolysis bullosa simplex 5C, with pyloric atresia (EBS5C). Also called: PLEC-Related Epidermolysis Bullosa with Pyloric Atresia; Epidermolysis bullosa simplex with pyloric atresia; PLEC1-Related Epidermolysis Bullosa with Pyloric Atresia. Identifiers: Orphanet 158684, MedGen C2677349, MONDO:0012807, OMIM 612138.
Epidermolysis bullosa simplex 5B, with muscular dystrophy (EBS5B). Also called: EPIDERMOLYSIS BULLOSA SIMPLEX AND LIMB-GIRDLE MUSCULAR DYSTROPHY; Epidermolysis bullosa simplex with muscular dystrophy. Identifiers: Orphanet 257, MedGen C2931072, MONDO:0009181, OMIM 226670.
Autosomal recessive limb-girdle muscular dystrophy type 2Q (LGMDR17). Also called: MUSCULAR DYSTROPHY, LIMB-GIRDLE, AUTOSOMAL RECESSIVE 17. Identifiers: Orphanet 254361, MedGen C3150989, MONDO:0013390, OMIM 613723.

Allele frequency attached by ClinVar (database versions not stated): gnomAD exomes below 0.00001.
gnomAD v4.1: 4 of 1,594,846 alleles (0.00025%); highest among the groups gnomAD compares: Non-Finnish European, 0.00034%; no homozygotes.

Submission:

Labcorp Genetics (formerly Invitae), Labcorp
Classification: Uncertain significance for Autosomal recessive limb-girdle muscular dystrophy type 2Q; Epidermolysis bullosa simplex, Ogna type; Epidermolysis bullosa simplex with nail dystrophy; Epidermolysis bullosa simplex 5C, with pyloric atresia; Epidermolysis bullosa simplex 5B, with muscular dystrophy. Last evaluated: 2022-03-29. Review status: criteria provided, single submitter. Criteria: Invitae Variant Classification Sherloc (09022015). Collection method: clinical testing. Allele origin: germline.
Comment: In summary, the available evidence is currently insufficient to determine the role of this variant in disease. Therefore, it has been classified as a Variant of Uncertain Significance. Algorithms developed to predict the effect of missense changes on protein structure and function are either unavailable or do not agree on the potential impact of this missense change (SIFT: "Deleterious"; PolyPhen-2: "Not Available"; Align-GVGD: "Class C0"). This variant has not been reported in the literature in individuals affected with PLEC-related conditions. This variant is not present in population databases (gnomAD no frequency). This sequence change replaces lysine, which is basic and polar, with glutamic acid, which is acidic and polar, at codon 2032 of the PLEC protein (p.Lys2032Glu).